The following is an entry in ClinVar:

ClinVar aggregate classification (germline): Uncertain significance. Review status: criteria provided, multiple submitters, no conflicts (2 of 4 stars). 2 submissions from 2 submitters: Uncertain significance (2). Last evaluated 2024-08-20.

Allele frequency attached by ClinVar (database versions not stated): TOPMed 0.00002.

Submissions (2):

Ambry Genetics
Classification: Uncertain significance. Last evaluated: 2024-08-20. Review status: criteria provided, single submitter. Criteria: Ambry Variant Classification Scheme 2023. Collection method: clinical testing. Allele origin: germline.

Labcorp Genetics (formerly Invitae), Labcorp
Classification: Uncertain significance. Last evaluated: 2024-08-05. Review status: criteria provided, single submitter. Criteria: Invitae Variant Classification Sherloc (09022015). Collection method: clinical testing. Allele origin: germline.
Comment: This sequence change replaces asparagine, which is neutral and polar, with lysine, which is basic and polar, at codon 92 of the PSMB4 protein (p.Asn92Lys). This variant is present in population databases (no rsID available, gnomAD 0.0009%). This variant has not been reported in the literature in individuals affected with PSMB4-related conditions. An algorithm developed to predict the effect of missense changes on protein structure and function (PolyPhen-2) suggests that this variant is likely to be tolerated. In summary, the available evidence is currently insufficient to determine the role of this variant in disease. Therefore, it has been classified as a Variant of Uncertain Significance.

NM_002796.3(PSMB4):c.276C>A (p.Asn92Lys)

Gene: PSMB4 (proteasome 20S subunit beta 4; plus strand). Cytogenetic location: 1q21.3.
Variant type: single nucleotide variant.
Coding change: c.276C>A on transcript NM_002796.3 (MANE Select); coding-DNA position 276, C replaced by A.
Protein change: p.Asn92Lys; replaces asparagine 92 with lysine.
Molecular consequence: missense variant.
Genome position (GRCh38, 1-based): chr1:151,400,116, C>A. VCF-style: chr1-151400116-C-A. GRCh37 (hg19) VCF-style: chr1-151372592-C-A.
Other names: c.276C>A (NM_002796.2); short protein forms N92K.
Identifiers: ClinVar variation 2894563 (VCV002894563.4), dbSNP rs757407255, ClinGen allele CA341921500.